The following is an entry in ClinVar:

ClinVar aggregate classification (germline): Uncertain significance (1 of 4 stars; one submission).

Conditions:
Early Myoclonic Encephalopathy. Identifiers: MedGen C0270855.

Submission:

Labcorp Genetics (formerly Invitae), Labcorp
Classification: Uncertain significance for Early Myoclonic Encephalopathy. Last evaluated: 2022-08-04. Review status: criteria provided, single submitter. Criteria: Invitae Variant Classification Sherloc (09022015). Collection method: clinical testing. Allele origin: germline.
Comment: This variant is not present in population databases (gnomAD no frequency). This sequence change replaces alanine, which is neutral and non-polar, with serine, which is neutral and polar, at codon 2 of the KCND2 protein (p.Ala2Ser). This variant has not been reported in the literature in individuals affected with KCND2-related conditions. Advanced modeling of protein sequence and biophysical properties (such as structural, functional, and spatial information, amino acid conservation, physicochemical variation, residue mobility, and thermodynamic stability) performed at Invitae indicates that this missense variant is not expected to disrupt KCND2 protein function. In summary, the available evidence is currently insufficient to determine the role of this variant in disease. Therefore, it has been classified as a Variant of Uncertain Significance.

NM_012281.3(KCND2):c.4G>T (p.Ala2Ser)

Gene: KCND2 (potassium voltage-gated channel subfamily D member 2; plus strand). Cytogenetic location: 7q31.31.
Variant type: single nucleotide variant.
Coding change: c.4G>T on transcript NM_012281.3 (MANE Select); coding-DNA position 4, G replaced by T.
Protein change: p.Ala2Ser; replaces alanine 2 with serine.
Molecular consequence: missense variant.
Genome position (GRCh38, 1-based): chr7:120,274,636, G>T. VCF-style: chr7-120274636-G-T. GRCh37 (hg19) VCF-style: chr7-119914690-G-T.
Other names: short protein forms A2S.
Identifiers: ClinVar variation 1715039 (VCV001715039.5), dbSNP rs1386347814, ClinGen allele CA369130634.